The following is an entry in ClinVar:

NM_000152.5(GAA):c.2365C>G (p.Pro789Ala)

Gene: GAA (alpha glucosidase; plus strand). Cytogenetic location: 17q25.3.
Variant type: single nucleotide variant.
Coding change: c.2365C>G on transcript NM_000152.5 (MANE Select); coding-DNA position 2365, C replaced by G.
Protein change: p.Pro789Ala; replaces proline 789 with alanine.
Molecular consequence: missense variant.
Genome position (GRCh38, 1-based): chr17:80,117,633, C>G. VCF-style: chr17-80117633-C-G. GRCh37 (hg19) VCF-style: chr17-78091432-C-G.
Other names: c.2365C>G, p.Pro789Ala (NM_001079803.3, NM_001079804.3); c.2365C>G (NM_000152.3); short protein forms P789A.
Identifiers: ClinVar variation 290483 (VCV000290483.10), dbSNP rs201485261, ClinGen allele CA8815718.

ClinVar aggregate classification (germline): Uncertain significance. Review status: criteria provided, multiple submitters, no conflicts (2 of 4 stars). 3 submissions from 3 submitters: Uncertain significance (3). Last evaluated 2023-01-07.

Conditions:
Cardiovascular phenotype. Identifiers: MedGen CN230736.
Glycogen storage disease, type II (IOPD). Also called: GLYCOGENOSIS, GENERALIZED, CARDIAC FORM; GSD II; POMPE DISEASE, INFANTILE-ONSET; GLYCOGEN STORAGE DISEASE II, INFANTILE-ONSET; ACID ALPHA-GLUCOSIDASE DEFICIENCY, INFANTILE-ONSET; GAA DEFICIENCY, INFANTILE-ONSET. Identifiers: Orphanet 365, MedGen C0017921, MONDO:0009290, OMIM 232300.

Allele frequency attached by ClinVar (database versions not stated): TOPMed below 0.00001; ExAC 0.00001; gnomAD exomes 0.00001; gnomAD 0.00003.

Submissions (3):

Ambry Genetics
Classification: Uncertain significance for Cardiovascular phenotype. Last evaluated: 2023-01-07. Review status: criteria provided, single submitter. Criteria: Ambry Variant Classification Scheme 2023. Collection method: clinical testing. Allele origin: germline.
Comment: The p.P789A variant (also known as c.2365C>G), located in coding exon 16 of the GAA gene, results from a C to G substitution at nucleotide position 2365. The proline at codon 789 is replaced by alanine, an amino acid with highly similar properties. This amino acid position is conserved. In addition, this alteration is predicted to be tolerated by in silico analysis. Since supporting evidence is limited at this time, the clinical significance of this alteration remains unclear.

Labcorp Genetics (formerly Invitae), Labcorp
Classification: Uncertain significance for Glycogen storage disease, type II. Last evaluated: 2022-11-01. Review status: criteria provided, single submitter. Criteria: Invitae Variant Classification Sherloc (09022015). Collection method: clinical testing. Allele origin: germline.
Comment: This sequence change replaces proline, which is neutral and non-polar, with alanine, which is neutral and non-polar, at codon 789 of the GAA protein (p.Pro789Ala). This variant is present in population databases (rs201485261, gnomAD 0.0009%). This variant has not been reported in the literature in individuals affected with GAA-related conditions. ClinVar contains an entry for this variant (Variation ID: 290483). Advanced modeling of protein sequence and biophysical properties (such as structural, functional, and spatial information, amino acid conservation, physicochemical variation, residue mobility, and thermodynamic stability) performed at Invitae indicates that this missense variant is not expected to disrupt GAA protein function. In summary, the available evidence is currently insufficient to determine the role of this variant in disease. Therefore, it has been classified as a Variant of Uncertain Significance.

Eurofins Ntd Llc (ga)
Classification: Uncertain significance. Last evaluated: 2016-09-26. Review status: criteria provided, single submitter. Criteria: EGL Classification Definitions 2015. Collection method: clinical testing. Allele origin: germline. Observed: 1 variant allele, 1 heterozygote.